The following is an entry in ClinVar:

NM_000051.4(ATM):c.333A>G (p.Arg111=)

Gene: ATM (ATM serine/threonine kinase; plus strand). Cytogenetic location: 11q22.3.
Variant type: single nucleotide variant.
Coding change: c.333A>G on transcript NM_000051.4 (MANE Select); coding-DNA position 333, A replaced by G.
Protein change: p.Arg111=; no amino-acid change (arginine 111 retained).
Molecular consequence: synonymous variant.
Genome position (GRCh38, 1-based): chr11:108,235,671, A>G. VCF-style: chr11-108235671-A-G. GRCh37 (hg19) VCF-style: chr11-108106398-A-G.
Other names: c.333A>G, p.Arg111= (NM_001351834.2).
Identifiers: ClinVar variation 1532299 (VCV001532299.9), dbSNP rs2135120788, ClinGen allele CA476670336.

ClinVar aggregate classification (germline): Benign/Likely benign. Review status: criteria provided, multiple submitters, no conflicts (2 of 4 stars). 2 submissions from 2 submitters: Benign (1); Likely benign (1). Last evaluated 2024-04-18.

Conditions:
Ataxia-telangiectasia syndrome (AT). Also called: Ataxia-telangiectasia, complementation group E; Cerebello-oculocutaneous telangiectasia; Immunodeficiency with ataxia telangiectasia; ATAXIA-TELANGIECTASIA, COMPLEMENTATION GROUP A; ATAXIA-TELANGIECTASIA, FRESNO VARIANT; Ataxia-telangiectasia, complementation group D. Identifiers: Orphanet 100, MedGen C0004135, MONDO:0008840, OMIM 208900.
Familial cancer of breast. Also called: Hereditary breast cancer; BREAST CANCER, FAMILIAL; hereditary breast carcinoma. Identifiers: Orphanet 227535, MedGen C0346153, MONDO:0016419, OMIM 114480. Disease mechanism: loss of function.

Submissions (2):

Myriad Genetics, Inc.
Classification: Benign for Familial cancer of breast. Last evaluated: 2024-04-18. Review status: criteria provided, single submitter. Criteria: Myriad Autosomal Dominant, Autosomal Recessive and X-Linked Classification Criteria (2023). Collection method: clinical testing. Allele origin: unknown.
Comment: This variant is considered benign. This variant is a silent/synonymous amino acid change and it is not expected to impact splicing.

Labcorp Genetics (formerly Invitae), Labcorp
Classification: Likely benign for Ataxia-telangiectasia syndrome. Last evaluated: 2022-12-21. Review status: criteria provided, single submitter. Criteria: Invitae Variant Classification Sherloc (09022015). Collection method: clinical testing. Allele origin: germline.